The following is an entry in ClinVar:

ClinVar aggregate classification (germline): Uncertain significance. Review status: criteria provided, multiple submitters, no conflicts (2 of 4 stars). 2 submissions from 2 submitters: Uncertain significance (2). Last evaluated 2022-06-11.

Conditions:
Inborn genetic diseases. Identifiers: MedGen C0950123, MeSH D030342.

Submissions (2):

Labcorp Genetics (formerly Invitae), Labcorp
Classification: Uncertain significance. Last evaluated: 2022-06-11. Review status: criteria provided, single submitter. Criteria: Invitae Variant Classification Sherloc (09022015). Collection method: clinical testing. Allele origin: germline.
Comment: This variant has not been reported in the literature in individuals affected with DNA2-related conditions. In summary, the available evidence is currently insufficient to determine the role of this variant in disease. Therefore, it has been classified as a Variant of Uncertain Significance. Algorithms developed to predict the effect of missense changes on protein structure and function (SIFT, PolyPhen-2, Align-GVGD) all suggest that this variant is likely to be tolerated. This variant is not present in population databases (gnomAD no frequency). This sequence change replaces lysine, which is basic and polar, with glutamic acid, which is acidic and polar, at codon 918 of the DNA2 protein (p.Lys918Glu).

Ambry Genetics
Classification: Uncertain significance for Inborn genetic diseases. Last evaluated: 2022-01-26. Review status: criteria provided, single submitter. Criteria: Ambry Variant Classification Scheme 2023. Collection method: clinical testing. Allele origin: germline.

NM_001080449.3(DNA2):c.2752A>G (p.Lys918Glu)

Gene: DNA2 (DNA replication helicase/nuclease 2; minus strand). Cytogenetic location: 10q21.3.
Variant type: single nucleotide variant.
Coding change: c.2752A>G on transcript NM_001080449.3 (MANE Select); coding-DNA position 2752, A replaced by G.
Protein change: p.Lys918Glu; replaces lysine 918 with glutamic acid.
Molecular consequence: missense variant. On other transcripts: non-coding transcript variant (1).
Genome position (GRCh38, 1-based): chr10:68,419,838, T>C on the plus strand (A>G on the coding strand, the complement: DNA2 is on the minus strand). VCF-style: chr10-68419838-T-C. GRCh37 (hg19) VCF-style: chr10-70179595-T-C.
Other names: c.2752A>G (NM_001080449.2); short protein forms K918E.
Identifiers: ClinVar variation 2143419 (VCV002143419.5), dbSNP rs2493896811, ClinGen allele CA376842487.